The following is an entry in ClinVar:

ClinVar aggregate classification (germline): Benign/Likely benign. Review status: criteria provided, multiple submitters, no conflicts (2 of 4 stars). 4 submissions from 3 submitters: Benign (2); Likely benign (2). Last evaluated 2021-05-21.

Conditions:
Alzheimer disease 3 (AD3). Also called: ALZHEIMER DISEASE, FAMILIAL, 3. Identifiers: Orphanet 1020, MedGen C1843013, MONDO:0011913, OMIM 607822.
Dilated cardiomyopathy 1U. Identifiers: Orphanet 154, MedGen C3160720, MONDO:0013371, OMIM 613694.

Allele frequency attached by ClinVar (database versions not stated): 1000 Genomes Project 30x 0.02046; 1000 Genomes Project 0.02117; TOPMed 0.03228; gnomAD 0.03451 and 0.03455; gnomAD exomes 0.04145.
gnomAD v4.1: 12,236 of 320,964 alleles (3.8%); highest among the groups gnomAD compares: Middle Eastern, 5.4%; 325 homozygotes.

Submissions (4):

GeneDx
Classification: Benign. Last evaluated: 2021-05-21. Review status: criteria provided, single submitter. Criteria: GeneDx Variant Classification Process June 2021. Collection method: clinical testing. Allele origin: germline. Affected: yes.

Illumina Laboratory Services, Illumina
Classification: Likely benign for Dilated cardiomyopathy 1U. Last evaluated: 2018-01-12. Review status: criteria provided, single submitter. Criteria: ICSL Variant Classification Criteria 13 December 2019. Collection method: clinical testing. Allele origin: germline.
Comment: This variant was observed in the ICSL laboratory as part of a predisposition screen in an ostensibly healthy population. It had not been previously curated by ICSL or reported in the Human Gene Mutation Database (HGMD: prior to June 1st, 2018), and was therefore a candidate for classification through an automated scoring system. Utilizing variant allele frequency, disease prevalence and penetrance estimates, and inheritance mode, an automated score was calculated to assess if this variant is too frequent to cause the disease. Based on the score and internal cut-off values, a variant classified as likely benign is not then subjected to further curation. The score for this variant resulted in a classification of likely benign for this disease.

Illumina Laboratory Services, Illumina
Classification: Benign for Alzheimer disease 3. Last evaluated: 2018-01-12. Review status: criteria provided, single submitter. Criteria: ICSL Variant Classification Criteria 13 December 2019. Collection method: clinical testing. Allele origin: germline.
Comment: This variant was observed in the ICSL laboratory as part of a predisposition screen in an ostensibly healthy population. It had not been previously curated by ICSL or reported in the Human Gene Mutation Database (HGMD: prior to June 1st, 2018), and was therefore a candidate for classification through an automated scoring system. Utilizing variant allele frequency, disease prevalence and penetrance estimates, and inheritance mode, an automated score was calculated to assess if this variant is too frequent to cause the disease. Based on the score and internal cut-off values, a variant classified as benign is not then subjected to further curation. The score for this variant resulted in a classification of benign for this disease.

Breakthrough Genomics
Classification: Likely benign. Review status: criteria provided, single submitter. Criteria: ACMG Guidelines, 2015. Collection method: not provided. Allele origin: germline. Inheritance: Autosomal dominant inheritance. Affected: yes.

NM_000021.4(PSEN1):c.*364T>C

Gene: PSEN1 (presenilin 1; plus strand). Cytogenetic location: 14q24.2.
Variant type: single nucleotide variant.
Coding change: c.*364T>C on transcript NM_000021.4 (MANE Select); 364 bases downstream of the stop codon, T replaced by C.
Molecular consequence: 3 prime UTR variant.
Genome position (GRCh38, 1-based): chr14:73,219,653, T>C. VCF-style: chr14-73219653-T-C. GRCh37 (hg19) VCF-style: chr14-73686361-T-C.
Other names: c.*364T>C (NM_007318.3).
Identifiers: ClinVar variation 313956 (VCV000313956.7), dbSNP rs362385, ClinGen allele CA10645864.
Genomic context (GRCh38, chr14:73,219,653, plus strand): 5'-GCAGCTTGACGCGTGGTCACAGGACGATTTCACTGACACTGCGAACTCTCAGGACTACCG[T>C]TACCAAGAGGTTAGGTGAAGTGGTTTAAACCAAACGGAACTCTTCATCTTAAACTACACG-3'